The following is an entry in ClinVar:

NM_031471.6(FERMT3):c.1712A>T (p.Asn571Ile)

Gene: FERMT3 (FERM domain containing kindlin 3; plus strand). Cytogenetic location: 11q13.1.
Variant type: single nucleotide variant.
Coding change: c.1712A>T on transcript NM_031471.6 (MANE Select); coding-DNA position 1712, A replaced by T.
Protein change: p.Asn571Ile; replaces asparagine 571 with isoleucine.
Molecular consequence: missense variant.
Genome position (GRCh38, 1-based): chr11:64,223,089, A>T. VCF-style: chr11-64223089-A-T. GRCh37 (hg19) VCF-style: chr11-63990561-A-T.
Other names: c.1712A>T, p.Asn571Ile (NM_001382361.1, NM_001382448.1); c.1724A>T, p.Asn575Ile (NM_001382362.1, NM_178443.3); c.1172A>T, p.Asn391Ile (NM_001382363.1); c.1184A>T, p.Asn395Ile (NM_001382364.1); short protein forms N575I, N395I, N391I, N571I.
Identifiers: ClinVar variation 954905 (VCV000954905.9), dbSNP rs1946752193, ClinGen allele CA381089650.

ClinVar aggregate classification (germline): Uncertain significance (1 of 4 stars; one submission).

Conditions:
Leukocyte adhesion deficiency 3. Also called: Leukocyte adhesion deficiency, type III; INTEGRIN ACTIVATION DEFICIENCY DISEASE; LEUKOCYTE ADHESION DEFICIENCY 1 VARIANT. Identifiers: Orphanet 2968, Orphanet 99844, MedGen C2748536, MONDO:0013016, OMIM 612840.

Submission:

Labcorp Genetics (formerly Invitae), Labcorp
Classification: Uncertain significance for Leukocyte adhesion deficiency 3. Last evaluated: 2019-11-06. Review status: criteria provided, single submitter. Criteria: Invitae Variant Classification Sherloc (09022015). Collection method: clinical testing. Allele origin: germline.
Comment: This sequence change replaces asparagine with isoleucine at codon 571 of the FERMT3 protein (p.Asn571Ile). The asparagine residue is moderately conserved and there is a large physicochemical difference between asparagine and isoleucine. This variant is not present in population databases (ExAC no frequency). This variant has not been reported in the literature in individuals with FERMT3-related conditions. Algorithms developed to predict the effect of missense changes on protein structure and function are either unavailable or do not agree on the potential impact of this missense change (SIFT: "Tolerated"; PolyPhen-2: "Possibly Damaging"; Align-GVGD: "Class C0"). In summary, the available evidence is currently insufficient to determine the role of this variant in disease. Therefore, it has been classified as a Variant of Uncertain Significance.